The following is an entry in ClinVar:

ClinVar aggregate classification (germline): Uncertain significance (1 of 4 stars; one submission).

gnomAD v4.1: 3 of 1,613,372 alleles (0.00019%); highest among the groups gnomAD compares: East Asian, 0.0045%; no homozygotes.

Submission:

GeneDx
Classification: Uncertain significance. Last evaluated: 2025-06-11. Review status: criteria provided, single submitter. Criteria: GeneDx Variant Classification Process June 2021. Collection method: clinical testing. Allele origin: germline. Affected: yes.
Comment: In silico analysis supports that this missense variant has a deleterious effect on protein structure/function; Has not been previously published as pathogenic or benign to our knowledge

NM_001330288.2(SMARCC2):c.1472C>T (p.Ala491Val)

Gene: SMARCC2 (SWI/SNF related BAF chromatin remodeling complex subunit C2; minus strand). Cytogenetic location: 12q13.2.
Variant type: single nucleotide variant.
Coding change: c.1472C>T on transcript NM_001330288.2 (MANE Select); coding-DNA position 1472, C replaced by T.
Protein change: p.Ala491Val; replaces alanine 491 with valine.
Molecular consequence: missense variant.
Genome position (GRCh38, 1-based): chr12:56,174,675, G>A on the plus strand (C>T on the coding strand, the complement: SMARCC2 is on the minus strand). VCF-style: chr12-56174675-G-A. GRCh37 (hg19) VCF-style: chr12-56568459-G-A.
Other names: c.1472C>T, p.Ala491Val (NM_001130420.3, NM_003075.5, NM_139067.4); short protein forms A491V.
Identifiers: ClinVar variation 4538003 (VCV004538003.1).
Genomic context (GRCh38, chr12:56,174,675, plus strand): 5'-CTCATGTACCCCCTTCCCCTCAGCCACAAGACCCACCTCATGATGGCACAGACATCACCC[G>A]CTAGGTTTCGGCGGCAGGCGGTAGAGGTAAGATACTCTTGGGGGTTCAGTCGGTAAGTGT-3'
Protein context (NP_001317217.1, residues 481-501): LTSTACRRNL[Ala491Val]GDVCAIMRVH